The following is an entry in ClinVar:

ClinVar aggregate classification (germline): Likely benign (1 of 4 stars; one submission).

Allele frequency attached by ClinVar (database versions not stated): 1000 Genomes Project 30x 0.00156; 1000 Genomes Project 0.00200; ESP Exome Variant Server 0.00228; ExAC 0.00536.
gnomAD v4.1: 7,255 of 1,549,742 alleles (0.47%); highest among the groups gnomAD compares: Middle Eastern, 0.56%; 34 homozygotes.

Submission:

CeGaT Center for Human Genetics Tuebingen
Classification: Likely benign. Last evaluated: 2022-10-01. Review status: criteria provided, single submitter. Criteria: CeGaT Center For Human Genetics Tuebingen Variant Classification Criteria Version 2. Collection method: clinical testing. Allele origin: germline. Affected: yes. Observed: 2 variant alleles.
Comment: AFDN: BP4, BP7

NM_001386888.1(AFDN):c.5061G>C (p.Ala1687=)

Gene: AFDN (afadin, adherens junction formation factor; plus strand). Cytogenetic location: 6q27.
Variant type: single nucleotide variant.
Coding change: c.5061G>C on transcript NM_001386888.1 (MANE Select); coding-DNA position 5061, G replaced by C.
Protein change: p.Ala1687=; no amino-acid change (alanine 1687 retained).
Molecular consequence: synonymous variant.
Genome position (GRCh38, 1-based): chr6:167,965,849, G>C. VCF-style: chr6-167965849-G-C. GRCh37 (hg19) VCF-style: chr6-168366529-G-C.
Other names: c.5019G>C, p.Ala1673= (NM_001366321.2); c.5016G>C, p.Ala1672= (NM_001410951.1); c.4989G>C, p.Ala1663= (NM_001207008.2); c.4911G>C, p.Ala1637= (NM_001291964.2); c.5034G>C, p.Ala1678= (NM_001366319.2); c.5040G>C, p.Ala1680= (NM_001366320.2).
Identifiers: ClinVar variation 2657135 (VCV002657135.24), dbSNP rs377617992, ClinGen allele CA4100042.